The following is an entry in ClinVar:

ClinVar aggregate classification (germline): Uncertain significance (1 of 4 stars; one submission).

Submission:

Labcorp Genetics (formerly Invitae), Labcorp
Classification: Uncertain significance. Last evaluated: 2022-08-13. Review status: criteria provided, single submitter. Criteria: Invitae Variant Classification Sherloc (09022015). Collection method: clinical testing. Allele origin: germline.
Comment: In summary, the available evidence is currently insufficient to determine the role of this variant in disease. Therefore, it has been classified as a Variant of Uncertain Significance. Experimental studies and prediction algorithms are not available or were not evaluated, and the functional significance of this variant is currently unknown. This variant has not been reported in the literature in individuals affected with NUP62-related conditions. This variant is not present in population databases (gnomAD no frequency). This sequence change creates a premature translational stop signal (p.Asp469*) in the NUP62 gene. While this is not anticipated to result in nonsense mediated decay, it is expected to disrupt the last 54 amino acid(s) of the NUP62 protein.

NM_016553.5(NUP62):c.1404dup (p.Asp469Ter)

Genes: IL4I1 (interleukin 4 induced 1; minus strand), NUP62 (nucleoporin 62; minus strand). Cytogenetic location: 19q13.33.
Variant type: Duplication.
Coding change: c.1404dup on transcript NM_016553.5 (MANE Select); coding-DNA position 1404, one base duplicated (T; older notation c.1404dupT).
Protein change: p.Asp469Ter; replaces aspartic acid 469 with a stop codon.
Molecular consequence: nonsense. On other transcripts: intron variant (3).
Genome position (GRCh38, 1-based): chr19:49,908,404, A duplicated on the plus strand (T on the coding strand, the reverse complement: NUP62 is on the minus strand). VCF-style (leftmost placement, unchanged base first): chr19-49908403-C-CA. GRCh37 (hg19) VCF-style: chr19-50411660-C-CA.
Other names: c.1404dup, p.Asp469Ter (NM_001193357.2, NM_012346.5, NM_153718.4 and 1 more transcripts); c.-227-4083dup (NM_001258017.2, NM_172374.3); c.-285-4083dup (NM_001258018.2); short protein forms D469*.
Identifiers: ClinVar variation 2023998 (VCV002023998.4), dbSNP rs2514758495, ClinGen allele CA2580097578.